The following is an entry in ClinVar:

ClinVar aggregate classification (germline): Uncertain significance. Review status: criteria provided, multiple submitters, no conflicts (2 of 4 stars). 3 submissions from 3 submitters: Uncertain significance (3). Last evaluated 2022-09-01.

Conditions:
Hereditary breast ovarian cancer syndrome. Also called: Hereditary breast and ovarian cancer syndrome; Hereditary breast and ovarian cancer; Hereditary breast and ovarian cancer syndrome (HBOC); Breast and ovarian cancer; Hereditary breast and/or ovarian cancer syndrome; BRCA1- and BRCA2-Associated Hereditary Breast and Ovarian Cancer. Identifiers: Orphanet 145, MedGen C0677776, MeSH D061325, MONDO:0003582. Disease mechanism: loss of function.
Hereditary cancer-predisposing syndrome. Also called: Neoplastic Syndromes, Hereditary; Tumor predisposition; Hereditary Cancer Syndrome; Hereditary neoplastic syndrome. Identifiers: Orphanet 140162, MedGen C0027672, MeSH D009386, MONDO:0015356.

Submissions (3):

Mayo Clinic Laboratories, Mayo Clinic
Classification: Uncertain significance. Last evaluated: 2022-09-01. Review status: criteria provided, single submitter. Criteria: ACMG Guidelines, 2015. Collection method: clinical testing. Allele origin: germline. Observed: 1 variant allele.
Comment: BP4, PM2

Labcorp Genetics (formerly Invitae), Labcorp
Classification: Uncertain significance for Hereditary breast ovarian cancer syndrome. Last evaluated: 2021-08-26. Review status: criteria provided, single submitter. Criteria: Invitae Variant Classification Sherloc (09022015). Collection method: clinical testing. Allele origin: germline.
Comment: This sequence change replaces serine with alanine at codon 93 of the BRCA2 protein (p.Ser93Ala). The serine residue is moderately conserved and there is a moderate physicochemical difference between serine and alanine. This variant is not present in population databases (ExAC no frequency). This variant has not been reported in the literature in individuals affected with BRCA2-related conditions. ClinVar contains an entry for this variant (Variation ID: 481556). Algorithms developed to predict the effect of missense changes on protein structure and function are either unavailable or do not agree on the potential impact of this missense change (SIFT: "Tolerated"; PolyPhen-2: "Probably Damaging"; Align-GVGD: "Class C0"). Algorithms developed to predict the effect of sequence changes on RNA splicing suggest that this variant may create or strengthen a splice site. In summary, the available evidence is currently insufficient to determine the role of this variant in disease. Therefore, it has been classified as a Variant of Uncertain Significance.

Ambry Genetics
Classification: Uncertain significance for Hereditary cancer-predisposing syndrome. Last evaluated: 2016-06-24. Review status: criteria provided, single submitter. Criteria: Ambry Variant Classification Scheme 2023. Collection method: clinical testing. Allele origin: germline.
Comment: The p.S93A variant (also known as c.277T>G), located in coding exon 2 of the BRCA2 gene, results from a T to G substitution at nucleotide position 277. The serine at codon 93 is replaced by alanine, an amino acid with similar properties. This variant was not reported in population based cohorts in the following databases: Database of Single Nucleotide Polymorphisms (dbSNP), NHLBI Exome Sequencing Project (ESP), and 1000 Genomes Project. In the ESP, this variant was not observed in 6503 samples (13006 alleles) with coverage at this position. To date, this alteration has been detected with an allele frequency of approximately 0.0003% (greater than 300000 alleles tested) in our clinical cohort. This amino acid position is highly conserved in available vertebrate species. In addition, this alteration is predicted to be tolerated by in silico analysis. Since supporting evidence is limited at this time, the clinical significance of this alteration remains unclear.

Literature cited by the submitters: PubMed 35402282 (cited by Mayo Clinic Laboratories, Mayo Clinic).

NM_000059.4(BRCA2):c.277T>G (p.Ser93Ala)

Gene: BRCA2 (BRCA2 DNA repair associated; plus strand). Cytogenetic location: 13q13.1.
Variant type: single nucleotide variant.
Coding change: c.277T>G on transcript NM_000059.4 (MANE Select); coding-DNA position 277, T replaced by G.
Protein change: p.Ser93Ala; replaces serine 93 with alanine.
Molecular consequence: missense variant.
Genome position (GRCh38, 1-based): chr13:32,319,286, T>G. VCF-style: chr13-32319286-T-G. GRCh37 (hg19) VCF-style: chr13-32893423-T-G.
Other names: p.Ser93Ala; short protein forms S93A.
Identifiers: ClinVar variation 481556 (VCV000481556.13), dbSNP rs776730435, ClinGen allele CA387754594.